The following is an entry in ClinVar:

ClinVar aggregate classification (germline): Likely pathogenic (1 of 4 stars; one submission).

Conditions:
Fanconi anemia complementation group G. Also called: Fanconi anemia group G; FANCG-Related Fanconi Anemia. Identifiers: Orphanet 84, MedGen C3469527, MONDO:0013565, OMIM 614082.

Submission:

Juno Genomics, Hangzhou Juno Genomics, Inc
Classification: Likely pathogenic for Fanconi anemia complementation group G. Review status: criteria provided, single submitter. Criteria: ACMG Guidelines, 2015. Collection method: clinical testing. Allele origin: germline.
Comment: Null variant in a gene where loss of function (LOF) is a known mechanism of disease.;Absent from controls (or at extremely low frequency if recessive) in Genome Aggregation Database.

NM_004629.2(FANCG):c.883del (p.Asp295fs)

Gene: FANCG (FA complementation group G; minus strand). Cytogenetic location: 9p13.3.
Variant type: Deletion.
Coding change: c.883del on transcript NM_004629.2 (MANE Select); coding-DNA position 883, one base deleted (G; older notation c.883delG).
Protein change: p.Asp295fs; shifts the reading frame from aspartic acid 295.
Molecular consequence: frameshift variant.
Genome position (GRCh38, 1-based): chr9:35,076,765, C deleted on the plus strand (G on the coding strand, the reverse complement: FANCG is on the minus strand); the first of 5 consecutive C bases (chr9:35,076,765-35,076,769); deleting any one gives the same sequence. VCF-style (leftmost placement, unchanged base first): chr9-35076764-TC-T. GRCh37 (hg19) VCF-style: chr9-35076761-TC-T.
Other names: short protein forms D295fs.
Identifiers: ClinVar variation 5007442 (VCV005007442.2).